The following is an entry in ClinVar:

ClinVar aggregate classification (germline): Uncertain significance (1 of 4 stars; one submission).

Conditions:
Inborn genetic diseases. Identifiers: MedGen C0950123, MeSH D030342.

Submission:

Ambry Genetics
Classification: Uncertain significance for Inborn genetic diseases. Last evaluated: 2025-12-23. Review status: criteria provided, single submitter. Criteria: Ambry Variant Classification Scheme 2023. Collection method: clinical testing. Allele origin: germline.
Comment: The p.A602P variant (also known as c.1804G>C), located in coding exon 20 of the FANCA gene, results from a G to C substitution at nucleotide position 1804. The alanine at codon 602 is replaced by proline, an amino acid with highly similar properties. This amino acid position is conserved. In addition, the in silico prediction for this alteration is inconclusive. Based on the available evidence, the clinical significance of this variant remains unclear.

NM_000135.4(FANCA):c.1804G>C (p.Ala602Pro)

Gene: FANCA (FA complementation group A; minus strand). Cytogenetic location: 16q24.3.
Variant type: single nucleotide variant.
Coding change: c.1804G>C on transcript NM_000135.4 (MANE Select); coding-DNA position 1804, G replaced by C.
Protein change: p.Ala602Pro; replaces alanine 602 with proline.
Molecular consequence: missense variant.
Genome position (GRCh38, 1-based): chr16:89,778,823, C>G on the plus strand (G>C on the coding strand, the complement: FANCA is on the minus strand). VCF-style: chr16-89778823-C-G. GRCh37 (hg19) VCF-style: chr16-89845231-C-G.
Other names: c.1804G>C, p.Ala602Pro (NM_001286167.3); short protein forms A602P.
Identifiers: ClinVar variation 4843023 (VCV004843023.1).